The following is an entry in ClinVar:

ClinVar aggregate classification (germline): Uncertain significance (1 of 4 stars; one submission).

gnomAD v4.1: 21 of 1,614,124 alleles (0.0013%); highest among the groups gnomAD compares: African/African-American, 0.017%; no homozygotes.

Submission:

Labcorp Genetics (formerly Invitae), Labcorp
Classification: Uncertain significance. Last evaluated: 2025-04-07. Review status: criteria provided, single submitter. Criteria: Invitae Variant Classification Sherloc (09022015). Collection method: clinical testing. Allele origin: germline.
Comment: This sequence change replaces isoleucine, which is neutral and non-polar, with threonine, which is neutral and polar, at codon 4955 of the MACF1 protein (p.Ile4955Thr). This variant is present in population databases (rs541505531, gnomAD 0.01%). This variant has not been reported in the literature in individuals affected with MACF1-related conditions. An algorithm developed to predict the effect of missense changes on protein structure and function (PolyPhen-2) suggests that this variant is likely to be disruptive. In summary, the available evidence is currently insufficient to determine the role of this variant in disease. Therefore, it has been classified as a Variant of Uncertain Significance.

NM_001394062.1(MACF1):c.21041T>C (p.Ile7014Thr)

Gene: MACF1 (microtubule actin crosslinking factor 1; plus strand). Cytogenetic location: 1p34.3.
Variant type: single nucleotide variant.
Coding change: c.21041T>C on transcript NM_001394062.1 (MANE Select); coding-DNA position 21041, T replaced by C.
Protein change: p.Ile7014Thr; replaces isoleucine 7014 with threonine.
Molecular consequence: missense variant.
Genome position (GRCh38, 1-based): chr1:39,455,063, T>C. VCF-style: chr1-39455063-T-C. GRCh37 (hg19) VCF-style: chr1-39920735-T-C.
Other names: c.9119T>C, p.Ile3040Thr (NM_001397473.1); c.14864T>C, p.Ile4955Thr (NM_012090.5); short protein forms I4955T, I7014T, I3040T.
Identifiers: ClinVar variation 4761972 (VCV004761972.1).